The following is an entry in ClinVar:

ClinVar aggregate classification (germline): Pathogenic/Likely pathogenic. Review status: criteria provided, multiple submitters, no conflicts (2 of 4 stars). 5 submissions from 5 submitters: Pathogenic (3); Likely pathogenic (2). Last evaluated 2025-08-11.

Conditions:
Rare genetic deafness. Identifiers: Orphanet 96210, MedGen C5680250.
TMC1-related disorder. Also called: TMC1-related condition; TMC1-related disorders.

Allele frequency attached by ClinVar (database versions not stated): gnomAD exomes 0.00001 and 0.00002; TOPMed 0.00003; gnomAD 0.00004.
gnomAD v4.1: 17 of 1,613,042 alleles (0.0011%); highest among the groups gnomAD compares: Admixed American, 0.0017%; no homozygotes.

Submissions (5):

GeneDx
Classification: Likely pathogenic. Last evaluated: 2025-08-11. Review status: criteria provided, single submitter. Criteria: GeneDx Variant Classification Process June 2021. Collection method: clinical testing. Allele origin: germline.
Comment: Nonsense variant predicted to result in protein truncation or nonsense mediated decay in a gene for which loss of function is a known mechanism of disease; This variant is associated with the following publications: (PMID: 29196752)

Blueprint Genetics
Classification: Likely pathogenic for TMC1-related disorders. Last evaluated: 2024-10-01. Review status: criteria provided, single submitter. Criteria: ACMG Guidelines, 2015. Collection method: clinical testing. Allele origin: germline. Affected: yes. Observed: 5 variant alleles.

Labcorp Genetics (formerly Invitae), Labcorp
Classification: Pathogenic. Last evaluated: 2023-12-20. Review status: criteria provided, single submitter. Criteria: Invitae Variant Classification Sherloc (09022015). Collection method: clinical testing. Allele origin: germline.
Comment: This sequence change creates a premature translational stop signal (p.Trp559*) in the TMC1 gene. It is expected to result in an absent or disrupted protein product. Loss-of-function variants in TMC1 are known to be pathogenic (PMID: 11850618, 22105175). This variant is present in population databases (no rsID available, gnomAD 0.003%). This premature translational stop signal has been observed in individual(s) with congenital deafness (PMID: 29196752). ClinVar contains an entry for this variant (Variation ID: 228406). Algorithms developed to predict the effect of sequence changes on RNA splicing suggest that this variant may disrupt the consensus splice site. For these reasons, this variant has been classified as Pathogenic.

Athena Diagnostics
Classification: Pathogenic. Last evaluated: 2020-07-23. Review status: criteria provided, single submitter. Criteria: Athena Diagnostics Criteria. Collection method: clinical testing. Allele origin: unknown.
Comment: The variant creates a premature nonsense codon, and is therefore predicted to result in the loss of a functional protein. Found in at least one patient with expected phenotype for this gene, and found in general population data at a frequency that is consistent with pathogenicity.

Laboratory for Molecular Medicine, Mass General Brigham Personalized Medicine
Classification: Pathogenic for Rare genetic deafness. Last evaluated: 2016-12-22. Review status: criteria provided, single submitter. Criteria: LMM Criteria. Collection method: clinical testing. Allele origin: germline. Observed: 2 variant alleles.
Comment: The p.Trp559X variant in TMC1 has now been identified by our laboratory in 2 ind ividuals with hearing loss, and both of them have a second pathogenic variant in TMC1. This variant has not been identified in large population studies. This no nsense variant leads to a premature termination codon at position 559, which is predicted to lead to a truncated or absent protein. Loss of function variants af fecting both copies of TMC1 is an established disease mechanism for nonsyndromic autosomal recessive hearing loss. In summary, this variant meets criteria to be classified as pathogenic for hearing loss in an autosomal recessive manner base d upon the predicted impact of the variant.

Literature cited by the submitters: PubMed 11850618 (cited by Labcorp Genetics (formerly Invitae), Labcorp); PubMed 22105175 (cited by Labcorp Genetics (formerly Invitae), Labcorp); PubMed 29196752 (cited by Labcorp Genetics (formerly Invitae), Labcorp).

NM_138691.3(TMC1):c.1676G>A (p.Trp559Ter)

Gene: TMC1 (transmembrane channel like 1; plus strand). Cytogenetic location: 9q21.13.
Variant type: single nucleotide variant.
Coding change: c.1676G>A on transcript NM_138691.3 (MANE Select); coding-DNA position 1676, G replaced by A.
Protein change: p.Trp559Ter; replaces tryptophan 559 with a stop codon.
Molecular consequence: nonsense.
Genome position (GRCh38, 1-based): chr9:72,805,491, G>A. VCF-style: chr9-72805491-G-A. GRCh37 (hg19) VCF-style: chr9-75420407-G-A.
Other names: short protein forms W559*.
Identifiers: ClinVar variation 228406 (VCV000228406.12), dbSNP rs876657728, ClinGen allele CA10576754.